The following is an entry in ClinVar:

NM_021813.4(BACH2):c.509C>T (p.Thr170Met)

Gene: BACH2 (BACH transcriptional regulator 2; minus strand). Cytogenetic location: 6q15.
Variant type: single nucleotide variant.
Coding change: c.509C>T on transcript NM_021813.4 (MANE Select); coding-DNA position 509, C replaced by T.
Protein change: p.Thr170Met; replaces threonine 170 with methionine.
Molecular consequence: missense variant.
Genome position (GRCh38, 1-based): chr6:89,951,597, G>A on the plus strand (C>T on the coding strand, the complement: BACH2 is on the minus strand). VCF-style: chr6-89951597-G-A. GRCh37 (hg19) VCF-style: chr6-90661316-G-A.
Other names: c.509C>T, p.Thr170Met (NM_001170794.2); short protein forms T170M.
Identifiers: ClinVar variation 4708280 (VCV004708280.1).

ClinVar aggregate classification (germline): Uncertain significance (1 of 4 stars; one submission).

gnomAD v4.1: 6 of 1,614,072 alleles (0.00037%); highest among the groups gnomAD compares: Middle Eastern, 0.049%; no homozygotes.

Submission:

Labcorp Genetics (formerly Invitae), Labcorp
Classification: Uncertain significance. Last evaluated: 2025-06-01. Review status: criteria provided, single submitter. Criteria: Invitae Variant Classification Sherloc (09022015). Collection method: clinical testing. Allele origin: germline.
Comment: This sequence change replaces threonine, which is neutral and polar, with methionine, which is neutral and non-polar, at codon 170 of the BACH2 protein (p.Thr170Met). This variant is not present in population databases (gnomAD no frequency). This variant has not been reported in the literature in individuals affected with BACH2-related conditions. Invitae Evidence Modeling of protein sequence and biophysical properties (such as structural, functional, and spatial information, amino acid conservation, physicochemical variation, residue mobility, and thermodynamic stability) indicates that this missense variant is not expected to disrupt BACH2 protein function with a negative predictive value of 80%. In summary, the available evidence is currently insufficient to determine the role of this variant in disease. Therefore, it has been classified as a Variant of Uncertain Significance.